The following is an entry in ClinVar:

NM_001378615.1(CC2D2A):c.1017+5G>A

Genes: CC2D2A (coiled-coil and C2 domain containing 2A; plus strand), FBXL5 (F-box and leucine rich repeat protein 5; minus strand). Cytogenetic location: 4p15.32.
Variant type: single nucleotide variant.
Coding change: c.1017+5G>A on transcript NM_001378615.1 (MANE Select); 5 bases into the intron after coding-DNA position 1017, G replaced by A.
Molecular consequence: intron variant.
Genome position (GRCh38, 1-based): chr4:15,516,009, G>A. VCF-style: chr4-15516009-G-A. GRCh37 (hg19) VCF-style: chr4-15517632-G-A.
Other names: c.1017+5G>A (NM_001080522.2); c.870+5G>A (NM_001378617.1).
Identifiers: ClinVar variation 1357151 (VCV001357151.6), dbSNP rs2109012967, ClinGen allele CA2573137607.
Genomic context (GRCh38, chr4:15,516,009, plus strand): 5'-AGGTGGCACGCACCAATCAGAACATCATGGAGAACAGATTGCTGATGCAGGACCCCGTAA[G>A]TGTGCACCCTCTGCTCTCAGGTGTAGCCTGGGCACACTAGACATAGCTTTTATTTTCCTA-3'

ClinVar aggregate classification (germline): Uncertain significance (1 of 4 stars; one submission).

Conditions:
Joubert syndrome. Also called: JOUBERT-BOLTSHAUSER SYNDROME; Familial aplasia of the vermis. Identifiers: Orphanet 475, MedGen C5979921, MONDO:0018772.
Meckel-Gruber syndrome. Also called: DYSENCEPHALIA SPLANCHNOCYSTICA; GRUBER SYNDROME; Dysencephalia splachnocystica. Identifiers: Orphanet 564, MedGen C0265215, MONDO:0018921.

Allele frequency attached by ClinVar (database versions not stated): gnomAD exomes below 0.00001.
gnomAD v4.1: 1 of 1,587,652 alleles (0.000063%); highest among the groups gnomAD compares: Admixed American, 0.0018%; no homozygotes.

Submission:

Labcorp Genetics (formerly Invitae), Labcorp
Classification: Uncertain significance for Joubert syndrome; Meckel-Gruber syndrome. Last evaluated: 2022-06-28. Review status: criteria provided, single submitter. Criteria: Invitae Variant Classification Sherloc (09022015). Collection method: clinical testing. Allele origin: germline.
Comment: Variants that disrupt the consensus splice site are a relatively common cause of aberrant splicing (PMID: 17576681, 9536098). Algorithms developed to predict the effect of sequence changes on RNA splicing suggest that this variant may disrupt the consensus splice site. This sequence change falls in intron 11 of the CC2D2A gene. It does not directly change the encoded amino acid sequence of the CC2D2A protein. It affects a nucleotide within the consensus splice site. This variant is not present in population databases (gnomAD no frequency). This variant has not been reported in the literature in individuals affected with CC2D2A-related conditions. In summary, the available evidence is currently insufficient to determine the role of this variant in disease. Therefore, it has been classified as a Variant of Uncertain Significance.

Literature cited by the submitters: PubMed 17576681; PubMed 9536098.